The following is an entry in ClinVar:

NM_000321.3(RB1):c.838G>A (p.Glu280Lys)

Gene: RB1 (RB transcriptional corepressor 1; plus strand). Cytogenetic location: 13q14.2.
Variant type: single nucleotide variant.
Coding change: c.838G>A on transcript NM_000321.3 (MANE Select); coding-DNA position 838, G replaced by A.
Protein change: p.Glu280Lys; replaces glutamic acid 280 with lysine.
Molecular consequence: missense variant.
Genome position (GRCh38, 1-based): chr13:48,362,934, G>A. VCF-style: chr13-48362934-G-A. GRCh37 (hg19) VCF-style: chr13-48937070-G-A.
Other names: short protein forms E280K.
Identifiers: ClinVar variation 1477769 (VCV001477769.6), dbSNP rs2138112743, ClinGen allele CA388159632.

ClinVar aggregate classification (germline): Uncertain significance (1 of 4 stars; one submission).

Conditions:
Retinoblastoma (RB1). Also called: RETINOBLASTOMA, SOMATIC. Identifiers: Orphanet 790, MedGen C0035335, MeSH D012175, MONDO:0008380, OMIM 180200, HP:0009919. Disease mechanism: loss of function. Inheritance: Both sporadic and heritable forms are tested..

Submission:

Labcorp Genetics (formerly Invitae), Labcorp
Classification: Uncertain significance for Retinoblastoma. Last evaluated: 2022-04-17. Review status: criteria provided, single submitter. Criteria: Invitae Variant Classification Sherloc (09022015). Collection method: clinical testing. Allele origin: germline.
Comment: Algorithms developed to predict the effect of missense changes on protein structure and function are either unavailable or do not agree on the potential impact of this missense change (SIFT: "Deleterious"; PolyPhen-2: "Possibly Damaging"; Align-GVGD: "Class C15"). In summary, the available evidence is currently insufficient to determine the role of this variant in disease. Therefore, it has been classified as a Variant of Uncertain Significance. This variant has not been reported in the literature in individuals affected with RB1-related conditions. This variant is not present in population databases (gnomAD no frequency). This sequence change replaces glutamic acid, which is acidic and polar, with lysine, which is basic and polar, at codon 280 of the RB1 protein (p.Glu280Lys).